The following is an entry in ClinVar:

NM_002834.5(PTPN11):c.540C>T (p.Asp180=)

Gene: PTPN11 (protein tyrosine phosphatase non-receptor type 11; plus strand). Cytogenetic location: 12q24.13.
Variant type: single nucleotide variant.
Coding change: c.540C>T on transcript NM_002834.5 (MANE Select); coding-DNA position 540, C replaced by T.
Protein change: p.Asp180=; no amino-acid change (aspartic acid 180 retained).
Molecular consequence: synonymous variant.
Genome position (GRCh38, 1-based): chr12:112,454,578, C>T. VCF-style: chr12-112454578-C-T. GRCh37 (hg19) VCF-style: chr12-112892382-C-T.
Other names: c.540C>T, p.Asp180= (NM_001330437.2, NM_080601.3); c.537C>T, p.Asp179= (NM_001374625.1).
Identifiers: ClinVar variation 258819 (VCV000258819.41), dbSNP rs753269427, ClinGen allele CA6798577.

ClinVar aggregate classification (germline): Likely benign. Review status: criteria provided, multiple submitters, no conflicts (2 of 4 stars). 8 submissions from 8 submitters: Likely benign (6). 2 of the submissions do not count toward it. Last evaluated 2026-01-19.

Conditions:
Cardiovascular phenotype. Identifiers: MedGen CN230736.
RASopathy. Also called: Noonan spectrum disorder; rasopathies. Identifiers: Orphanet 536391, MedGen C5555857, MONDO:0021060.

Allele frequency attached by ClinVar (database versions not stated): gnomAD 0.00003; gnomAD exomes 0.00006; TOPMed 0.00006; ExAC 0.00008.
gnomAD v4.1: 90 of 1,612,400 alleles (0.0056%); highest among the groups gnomAD compares: Non-Finnish European, 0.0072%; no homozygotes.

Submissions (8):

Labcorp Genetics (formerly Invitae), Labcorp
Classification: Likely benign for RASopathy. Last evaluated: 2026-01-19. Review status: criteria provided, single submitter. Criteria: Invitae Variant Classification Sherloc (09022015). Collection method: clinical testing. Allele origin: germline.

CeGaT Center for Human Genetics Tuebingen
Classification: Likely benign. Last evaluated: 2023-03-01. Review status: criteria provided, single submitter. Criteria: CeGaT Center For Human Genetics Tuebingen Variant Classification Criteria Version 2. Collection method: clinical testing. Allele origin: germline. Affected: yes. Observed: 1 variant allele.
Comment: PTPN11: BP4, BP7

Ambry Genetics
Classification: Likely benign for Cardiovascular phenotype. Last evaluated: 2021-11-16. Review status: criteria provided, single submitter. Criteria: Ambry Variant Classification Scheme 2023. Collection method: clinical testing. Allele origin: germline.

GeneDx
Classification: Likely benign. Last evaluated: 2020-04-27. Review status: criteria provided, single submitter. Criteria: GeneDx Variant Classification Process June 2021. Collection method: clinical testing. Allele origin: germline. Affected: yes.
Comment: This variant is associated with the following publications: (PMID: 15940693)

Women's Health and Genetics/Laboratory Corporation of America, LabCorp
Classification: Likely benign. Last evaluated: 2020-02-13. Review status: criteria provided, single submitter. Criteria: LabCorp Variant Classification Summary - May 2015. Collection method: clinical testing. Allele origin: germline.

PreventionGenetics, part of Exact Sciences
Classification: Likely benign. Review status: criteria provided, single submitter. Criteria: ACMG Guidelines, 2015. Collection method: clinical testing. Allele origin: germline.

Clinical Genetics DNA and cytogenetics Diagnostics Lab, Erasmus MC, Erasmus Medical Center
Classification: Likely benign. Review status: no assertion criteria provided. Collection method: clinical testing. Allele origin: germline. Affected: yes. Study: VKGL Data-share Consensus. Not counted in ClinVar's aggregate classification.

Joint Genome Diagnostic Labs from Nijmegen and Maastricht, Radboudumc and MUMC+
Classification: Likely benign. Review status: no assertion criteria provided. Collection method: clinical testing. Allele origin: germline. Affected: yes. Study: VKGL Data-share Consensus. Not counted in ClinVar's aggregate classification.